The following is an entry in ClinVar:

ClinVar aggregate classification (germline): Likely benign (1 of 4 stars; one submission).

Conditions:
LRRC45-related disorder. Also called: LRRC45-related condition.

gnomAD v4.1: 35 of 1,611,798 alleles (0.0022%); highest among the groups gnomAD compares: South Asian, 0.036%; no homozygotes.

Submission:

PreventionGenetics, part of Exact Sciences
Classification: Likely benign for LRRC45-related condition. Last evaluated: 2025-03-05. Review status: criteria provided, single submitter. Criteria: ACMG Guidelines, 2015. Collection method: clinical testing. Allele origin: germline.
Comment: This variant is classified as likely benign based on ACMG/AMP sequence variant interpretation guidelines (Richards et al. 2015 PMID: 25741868, with internal and published modifications).

NM_144999.4(LRRC45):c.221-5C>T

Gene: LRRC45 (leucine rich repeat containing 45; plus strand). Cytogenetic location: 17q25.3.
Variant type: single nucleotide variant.
Coding change: c.221-5C>T on transcript NM_144999.4 (MANE Select); 5 bases into the intron before coding-DNA position 221, C replaced by T.
Molecular consequence: intron variant.
Genome position (GRCh38, 1-based): chr17:82,024,273, C>T. VCF-style: chr17-82024273-C-T. GRCh37 (hg19) VCF-style: chr17-79982149-C-T.
Identifiers: ClinVar variation 4990121 (VCV004990121.1).